The following is an entry in ClinVar:

NM_002095.6(GTF2E2):c.33G>A (p.Leu11=)

Gene: GTF2E2 (general transcription factor IIE subunit 2; minus strand). Cytogenetic location: 8p12.
Variant type: single nucleotide variant.
Coding change: c.33G>A on transcript NM_002095.6 (MANE Select); coding-DNA position 33, G replaced by A.
Protein change: p.Leu11=; no amino-acid change (leucine 11 retained).
Molecular consequence: synonymous variant.
Genome position (GRCh38, 1-based): chr8:30,653,566, C>T on the plus strand (G>A on the coding strand, the complement: GTF2E2 is on the minus strand). VCF-style: chr8-30653566-C-T. GRCh37 (hg19) VCF-style: chr8-30511083-C-T.
Other names: c.33G>A, p.Leu11= (NM_001348353.1).
Identifiers: ClinVar variation 4534442 (VCV004534442.6).
Genomic context (GRCh38, chr8:30,653,566, plus strand): 5'-TGACTCAGAAGATGCTGAACGTTTTTCTACTACAGGAGTAGAAAGAGCTCGTTTTTTGAA[C>T]AGCTCCCTTTCTCTCAACAGGCTTGGATCCATAATGCTACAAAGAAAAAATAAGTGTCTT-3'
Protein context (NP_002086.1, residues 1-21): MDPSLLRERE[Leu11=]FKKRALSTPV

ClinVar aggregate classification (germline): Likely benign (1 of 4 stars; one submission).

gnomAD v4.1: 2 of 1,613,006 alleles (0.00012%); highest among the groups gnomAD compares: Non-Finnish European, 0.00017%; no homozygotes.

Submission:

CeGaT Center for Human Genetics Tuebingen
Classification: Likely benign. Last evaluated: 2025-10-01. Review status: criteria provided, single submitter. Criteria: CeGaT Center For Human Genetics Tuebingen Variant Classification Criteria Version 2. Collection method: clinical testing. Allele origin: germline. Affected: yes. Observed: 1 variant allele.
Comment: GTF2E2: BP4, BP7